The following is an entry in ClinVar:

ClinVar aggregate classification (germline): Pathogenic. Review status: criteria provided, multiple submitters, no conflicts (2 of 4 stars). 3 submissions from 3 submitters: Pathogenic (3). Last evaluated 2024-08-17.

Conditions:
Juvenile polyposis syndrome (JPS). Identifiers: Orphanet 2929, MedGen C0345893, MONDO:0017380, OMIM 174900.
Hereditary cancer-predisposing syndrome. Also called: Neoplastic Syndromes, Hereditary; Tumor predisposition; Hereditary neoplastic syndrome; Hereditary Cancer Syndrome. Identifiers: Orphanet 140162, MedGen C0027672, MeSH D009386, MONDO:0015356.

Submissions (3):

Labcorp Genetics (formerly Invitae), Labcorp
Classification: Pathogenic for Juvenile polyposis syndrome. Last evaluated: 2024-08-17. Review status: criteria provided, single submitter. Criteria: Invitae Variant Classification Sherloc (09022015). Collection method: clinical testing. Allele origin: germline.
Comment: This sequence change creates a premature translational stop signal (p.Asp38Argfs*33) in the BMPR1A gene. It is expected to result in an absent or disrupted protein product. Loss-of-function variants in BMPR1A are known to be pathogenic (PMID: 11536076, 12417513). This variant is not present in population databases (gnomAD no frequency). This variant has not been reported in the literature in individuals affected with BMPR1A-related conditions. ClinVar contains an entry for this variant (Variation ID: 1797298). For these reasons, this variant has been classified as Pathogenic.

Myriad Genetics, Inc.
Classification: Pathogenic for Juvenile polyposis syndrome. Last evaluated: 2023-05-25. Review status: criteria provided, single submitter. Criteria: Myriad Autosomal Dominant, Autosomal Recessive and X-Linked Classification Criteria (2023). Collection method: clinical testing. Allele origin: unknown.
Comment: This variant is considered pathogenic. This variant creates a frameshift predicted to result in premature protein truncation.

Ambry Genetics
Classification: Pathogenic for Hereditary cancer-predisposing syndrome. Last evaluated: 2017-07-26. Review status: criteria provided, single submitter. Criteria: Ambry Variant Classification Scheme 2023. Collection method: clinical testing. Allele origin: germline.
Comment: The c.111dupA pathogenic mutation, located in coding exon 2 of the BMPR1A gene, results from a duplication of A at nucleotide position 111, causing a translational frameshift with a predicted alternate stop codon (p.D38Rfs*33). This alteration is expected to result in loss of function by premature protein truncation or nonsense-mediated mRNA decay. As such, this alteration is interpreted as a disease-causing mutation.

Literature cited by the submitters: PubMed 11536076 (cited by Labcorp Genetics (formerly Invitae), Labcorp); PubMed 12417513 (cited by Labcorp Genetics (formerly Invitae), Labcorp).

NM_004329.3(BMPR1A):c.111dup (p.Asp38fs)

Gene: BMPR1A (bone morphogenetic protein receptor type 1A; plus strand). Cytogenetic location: 10q23.2.
Variant type: Duplication.
Coding change: c.111dup on transcript NM_004329.3 (MANE Select); coding-DNA position 111, one base duplicated (A; older notation c.111dupA).
Protein change: p.Asp38fs; shifts the reading frame from aspartic acid 38.
Molecular consequence: frameshift variant.
Genome position (GRCh38, 1-based): chr10:86,890,105, A duplicated. VCF-style (leftmost placement, unchanged base first): chr10-86890104-C-CA. GRCh37 (hg19) VCF-style: chr10-88649861-C-CA.
Other names: c.111dupA (NM_004329.2); c.111dup, p.Asp38Argfs (NM_001406559.1, NM_001406560.1, NM_001406561.1 and 23 more transcripts); c.27dup, p.Asp10Argfs (NM_001406584.1, NM_001406585.1, NM_001406586.1 and 2 more transcripts); short protein forms D38fs.
Identifiers: ClinVar variation 1797298 (VCV001797298.6), dbSNP rs2539430767, ClinGen allele CA2580082070.